The following is an entry in ClinVar:

ClinVar aggregate classification (germline): Uncertain significance (1 of 4 stars; one submission).

Submission:

Labcorp Genetics (formerly Invitae), Labcorp
Classification: Uncertain significance. Last evaluated: 2021-12-28. Review status: criteria provided, single submitter. Criteria: Invitae Variant Classification Sherloc (09022015). Collection method: clinical testing. Allele origin: germline.
Comment: In summary, the available evidence is currently insufficient to determine the role of this variant in disease. Therefore, it has been classified as a Variant of Uncertain Significance. Algorithms developed to predict the effect of missense changes on protein structure and function (SIFT, PolyPhen-2, Align-GVGD) all suggest that this variant is likely to be tolerated. This variant has not been reported in the literature in individuals affected with CAD-related conditions. This variant is not present in population databases (gnomAD no frequency). This sequence change replaces alanine, which is neutral and non-polar, with glycine, which is neutral and non-polar, at codon 1826 of the CAD protein (p.Ala1826Gly).

NM_004341.5(CAD):c.5477C>G (p.Ala1826Gly)

Gene: CAD (carbamoyl-phosphate synthetase 2, aspartate transcarbamylase, and dihydroorotase; plus strand). Cytogenetic location: 2p23.3.
Variant type: single nucleotide variant.
Coding change: c.5477C>G on transcript NM_004341.5 (MANE Select); coding-DNA position 5477, C replaced by G.
Protein change: p.Ala1826Gly; replaces alanine 1826 with glycine.
Molecular consequence: missense variant.
Genome position (GRCh38, 1-based): chr2:27,239,779, C>G. VCF-style: chr2-27239779-C-G. GRCh37 (hg19) VCF-style: chr2-27462647-C-G.
Other names: c.5288C>G, p.Ala1763Gly (NM_001306079.2); short protein forms A1826G, A1763G.
Identifiers: ClinVar variation 2034997 (VCV002034997.4), dbSNP rs2465356211, ClinGen allele CA346222928.